The following is an entry in ClinVar:

ClinVar aggregate classification (germline): Uncertain significance (1 of 4 stars; one submission).

Conditions:
Inborn genetic diseases. Identifiers: MedGen C0950123, MeSH D030342.

Submission:

Ambry Genetics
Classification: Uncertain significance for Inborn genetic diseases. Last evaluated: 2025-02-08. Review status: criteria provided, single submitter. Criteria: Ambry Variant Classification Scheme 2023. Collection method: clinical testing. Allele origin: germline.
Comment: The p.P670A variant (also known as c.2008C>G), located in coding exon 12 of the BMPR2 gene, results from a C to G substitution at nucleotide position 2008. The proline at codon 670 is replaced by alanine, an amino acid with highly similar properties. This amino acid position is conserved. In addition, this alteration is predicted to be deleterious by in silico analysis. Based on the available evidence, the clinical significance of this variant remains unclear.

NM_001204.7(BMPR2):c.2008C>G (p.Pro670Ala)

Gene: BMPR2 (bone morphogenetic protein receptor type 2; plus strand). Cytogenetic location: 2q33.2.
Variant type: single nucleotide variant.
Coding change: c.2008C>G on transcript NM_001204.7 (MANE Select); coding-DNA position 2008, C replaced by G.
Protein change: p.Pro670Ala; replaces proline 670 with alanine.
Molecular consequence: missense variant.
Genome position (GRCh38, 1-based): chr2:202,555,673, C>G. VCF-style: chr2-202555673-C-G. GRCh37 (hg19) VCF-style: chr2-203420396-C-G.
Other names: short protein forms P670A.
Identifiers: ClinVar variation 3824891 (VCV003824891.1).